The following is an entry in ClinVar:

ClinVar aggregate classification (germline): Uncertain significance. Review status: criteria provided, multiple submitters, no conflicts (2 of 4 stars). 4 submissions from 4 submitters: Uncertain significance (3). 1 of the submissions does not count toward it. Last evaluated 2024-04-03.

Conditions:
Bardet-Biedl syndrome (BBS). Identifiers: Orphanet 110, MedGen C0752166, MONDO:0015229.
Bardet-Biedl syndrome 1 (BBS1). Identifiers: MedGen C2936862, MONDO:0008854, OMIM 209900. Disease mechanism: loss of function.
BBS1-related disorder. Also called: BBS1-related condition.

Allele frequency attached by ClinVar (database versions not stated): gnomAD 0.00001; gnomAD exomes 0.00001; TOPMed 0.00001; ExAC 0.00002.
gnomAD v4.1: 8 of 1,614,024 alleles (0.0005%); highest among the groups gnomAD compares: Admixed American, 0.012%; no homozygotes.

Submissions (4):

Fulgent Genetics
Classification: Uncertain significance for Bardet-Biedl syndrome 1. Last evaluated: 2024-04-03. Review status: criteria provided, single submitter. Criteria: ACMG Guidelines, 2015. Collection method: clinical testing. Allele origin: germline.

Labcorp Genetics (formerly Invitae), Labcorp
Classification: Uncertain significance for Bardet-Biedl syndrome. Last evaluated: 2022-07-23. Review status: criteria provided, single submitter. Criteria: Invitae Variant Classification Sherloc (09022015). Collection method: clinical testing. Allele origin: germline.
Comment: This sequence change replaces histidine, which is basic and polar, with arginine, which is basic and polar, at codon 97 of the BBS1 protein (p.His97Arg). This variant is present in population databases (rs777005564, gnomAD 0.01%). This variant has not been reported in the literature in individuals affected with BBS1-related conditions. Algorithms developed to predict the effect of missense changes on protein structure and function (SIFT, PolyPhen-2, Align-GVGD) all suggest that this variant is likely to be tolerated. Algorithms developed to predict the effect of sequence changes on RNA splicing suggest that this variant may create or strengthen a splice site. In summary, the available evidence is currently insufficient to determine the role of this variant in disease. Therefore, it has been classified as a Variant of Uncertain Significance.

Blueprint Genetics
Classification: Uncertain significance. Last evaluated: 2019-08-01. Review status: criteria provided, single submitter. Criteria: ACMG Guidelines, 2015. Collection method: clinical testing. Allele origin: germline.

PreventionGenetics, part of Exact Sciences
Classification: Uncertain significance for BBS1-related condition. Last evaluated: 2024-08-04. Review status: no assertion criteria provided. Collection method: clinical testing. Allele origin: germline. Not counted in ClinVar's aggregate classification.
Comment: The BBS1 c.290A>G variant is predicted to result in the amino acid substitution p.His97Arg. To our knowledge, this variant has not been reported in the literature. This variant is reported in 0.014% of alleles in individuals of Latino descent in gnomAD. At this time, the clinical significance of this variant is uncertain due to the absence of conclusive functional and genetic evidence.

NM_024649.5(BBS1):c.290A>G (p.His97Arg)

Gene: BBS1 (Bardet-Biedl syndrome 1; plus strand). Cytogenetic location: 11q13.2.
Variant type: single nucleotide variant.
Coding change: c.290A>G on transcript NM_024649.5 (MANE Select); coding-DNA position 290, A replaced by G.
Protein change: p.His97Arg; replaces histidine 97 with arginine.
Molecular consequence: missense variant.
Genome position (GRCh38, 1-based): chr11:66,514,536, A>G. VCF-style: chr11-66514536-A-G. GRCh37 (hg19) VCF-style: chr11-66282007-A-G.
Other names: c.290A>G (NM_024649.4); short protein forms H97R.
Identifiers: ClinVar variation 2082508 (VCV002082508.4), dbSNP rs777005564, ClinGen allele CA6123301.